The following is an entry in ClinVar:

NM_020320.5(RARS2):c.1679G>T (p.Arg560Leu)

Gene: RARS2 (arginyl-tRNA synthetase 2, mitochondrial; minus strand). Cytogenetic location: 6q15.
Variant type: single nucleotide variant.
Coding change: c.1679G>T on transcript NM_020320.5 (MANE Select); coding-DNA position 1679, G replaced by T.
Protein change: p.Arg560Leu; replaces arginine 560 with leucine.
Molecular consequence: missense variant. On other transcripts: non-coding transcript variant (23).
Genome position (GRCh38, 1-based): chr6:87,514,471, C>A on the plus strand (G>T on the coding strand, the complement: RARS2 is on the minus strand). VCF-style: chr6-87514471-C-A. GRCh37 (hg19) VCF-style: chr6-88224189-C-A.
Other names: c.1154G>T, p.Arg385Leu (NM_001318785.2, NM_001350506.2, NM_001350507.2 and 4 more transcripts); c.1679G>T, p.Arg560Leu (NM_001350505.2); short protein forms R560L, R385L.
Identifiers: ClinVar variation 2136149 (VCV002136149.1), dbSNP rs756502974, ClinGen allele CA364917686.

ClinVar aggregate classification (germline): Uncertain significance (1 of 4 stars; one submission).

Submission:

GeneDx
Classification: Uncertain significance. Last evaluated: 2022-07-20. Review status: criteria provided, single submitter. Criteria: GeneDx Variant Classification Process June 2021. Collection method: clinical testing. Allele origin: germline. Affected: yes.
Comment: Not observed at significant frequency in large population cohorts (gnomAD); In silico analysis supports that this missense variant has a deleterious effect on protein structure/function; Has not been previously published as pathogenic or benign to our knowledge